The following is an entry in ClinVar:

ClinVar aggregate classification (germline): Uncertain significance (1 of 4 stars; one submission).

gnomAD v4.1: 7 of 1,609,490 alleles (0.00043%); highest among the groups gnomAD compares: African/African-American, 0.0094%; no homozygotes.

Submission:

Labcorp Genetics (formerly Invitae), Labcorp
Classification: Uncertain significance. Last evaluated: 2025-07-14. Review status: criteria provided, single submitter. Criteria: Invitae Variant Classification Sherloc (09022015). Collection method: clinical testing. Allele origin: germline.
Comment: This sequence change replaces glutamine, which is neutral and polar, with lysine, which is basic and polar, at codon 667 of the PLEKHM2 protein (p.Gln667Lys). The frequency data for this variant in the population databases is considered unreliable, as metrics indicate poor data quality at this position in the gnomAD database. This variant has not been reported in the literature in individuals affected with PLEKHM2-related conditions. ClinVar contains an entry for this variant (Variation ID: 2163633). An algorithm developed to predict the effect of missense changes on protein structure and function (PolyPhen-2) suggests that this variant is likely to be tolerated. In summary, the available evidence is currently insufficient to determine the role of this variant in disease. Therefore, it has been classified as a Variant of Uncertain Significance.

NM_015164.4(PLEKHM2):c.1999C>A (p.Gln667Lys)

Gene: PLEKHM2 (pleckstrin homology and RUN domain containing M2; plus strand). Cytogenetic location: 1p36.21.
Variant type: single nucleotide variant.
Coding change: c.1999C>A on transcript NM_015164.4 (MANE Select); coding-DNA position 1999, C replaced by A.
Protein change: p.Gln667Lys; replaces glutamine 667 with lysine.
Molecular consequence: missense variant.
Genome position (GRCh38, 1-based): chr1:15,729,114, C>A. VCF-style: chr1-15729114-C-A. GRCh37 (hg19) VCF-style: chr1-16055609-C-A.
Other names: c.1939C>A, p.Gln647Lys (NM_001410755.1); short protein forms Q647K, Q667K.
Identifiers: ClinVar variation 2163633 (VCV002163633.4), dbSNP rs1054278712, ClinGen allele CA18266824.
Genomic context (GRCh38, chr1:15,729,114, plus strand): 5'-AGGCAGCAGCTAAGCCCCAAGTGCATGTCACGGTGTGGTTTCTGGCAGGTTGGCCTTGAC[C>A]AGCAGACGGTGAAGCTGGTGTGCACCAACCGCAGGAAGCAGTTTCTGCTGGACACGGCTG-3'
Protein context (NP_055979.2, residues 657-677): ELDYVSVGLD[Gln667Lys]QTVKLVCTNR